The following is an entry in ClinVar:

ClinVar aggregate classification (germline): Pathogenic. Review status: criteria provided, multiple submitters, no conflicts (2 of 4 stars). 2 submissions from 2 submitters: Pathogenic (2). Last evaluated 2024-06-03.

Conditions:
Kostmann syndrome (SCN3). Also called: KOSTMANN DISEASE; Autosomal recessive severe congenital neutropenia type 3. Identifiers: Orphanet 99749, MedGen C5235141, MONDO:0012548, OMIM 610738.

Submissions (2):

Natera, Inc.
Classification: Pathogenic for Autosomal recessive severe congenital neutropenia type 3. Last evaluated: 2024-06-03. Review status: criteria provided, single submitter. Criteria: Natera Variant Classification Schema (03/2026). Collection method: clinical testing. Allele origin: germline.
Comment: The c.368_381del variant in HAX1 is a frameshift variant predicted to shift the reading frame beginning at codon 123 and leads to a stop codon 4 codons downstream. This variant is expected to result in nonsense mediated decay, truncation, or a dysfunctional protein product. This variant is rare in the general population with a frequency below the threshold expected for the associated phenotype(s). This variant has been observed in one or more individuals affected with the associated recessive disease, as either homozygous or compound heterozygous with a second variant (PMID: 18337561). Given the available evidence, this variant is classified as Pathogenic.

Labcorp Genetics (formerly Invitae), Labcorp
Classification: Pathogenic for Kostmann syndrome. Last evaluated: 2021-07-10. Review status: criteria provided, single submitter. Criteria: Invitae Variant Classification Sherloc (09022015). Collection method: clinical testing. Allele origin: germline.
Comment: This sequence change creates a premature translational stop signal (p.Gln123Leufs*4) in the HAX1 gene. It is expected to result in an absent or disrupted protein product. Loss-of-function variants in HAX1 are known to be pathogenic (PMID: 17187068). This variant is not present in population databases (ExAC no frequency). This premature translational stop signal has been observed in individual(s) with clinical features of congenital neutropenia (PMID: 18337561). For these reasons, this variant has been classified as Pathogenic.

Literature cited by the submitters: PubMed 18337561 (cited by Natera, Inc. and Labcorp Genetics (formerly Invitae), Labcorp); PubMed 17187068 (cited by Labcorp Genetics (formerly Invitae), Labcorp).

NM_006118.4(HAX1):c.368_381del (p.Gln123fs)

Gene: HAX1 (HCLS1 associated protein X-1; plus strand). Cytogenetic location: 1q21.3.
Variant type: Deletion.
Coding change: c.368_381del on transcript NM_006118.4 (MANE Select); coding-DNA positions 368 to 381, 14 bases deleted (AGACACTTCGGGAC).
Protein change: p.Gln123fs; shifts the reading frame from glutamine 123.
Molecular consequence: frameshift variant.
Genome position (GRCh38, 1-based): chr1:154,273,825-154,273,838, AGACACTTCGGGAC deleted; deleting any 14 consecutive bases within chr1:154,273,820-154,273,838 gives the same sequence; the c. name uses the placement nearest the transcript's 3' end. VCF-style (leftmost placement, unchanged base first): chr1-154273819-AGGGACAGACACTTC-A. GRCh37 (hg19) VCF-style: chr1-154246295-AGGGACAGACACTTC-A.
Other names: c.224_237del, p.Gln75fs (NM_001018837.2); c.368_381del (NM_006118.3); short protein forms Q75fs, Q123fs.
Identifiers: ClinVar variation 1438742 (VCV001438742.7), dbSNP rs1425877227, ClinGen allele CA526665666.